The following is an entry in ClinVar:

ClinVar aggregate classification (germline): Likely pathogenic (1 of 4 stars; one submission).

Conditions:
Carnitine deficiency. Identifiers: MedGen C1142132.

Submission:

Natera, Inc.
Classification: Likely pathogenic for Carnitine deficiency. Last evaluated: 2025-12-01. Review status: criteria provided, single submitter. Criteria: Natera Variant Classification Schema (03/2026). Collection method: clinical testing. Allele origin: germline.
Comment: The c.1267+1G>T variant in SLC22A5 is a canonical splice donor site variant predicted to affect pre-mRNA splicing, which may result in an abnormal transcript and altered protein product. This variant is expected to result in nonsense mediated decay, truncation, or a dysfunctional protein product. This variant is rare in the general population with a frequency below the threshold expected for the associated phenotype(s). Given the available evidence, this variant is classified as Likely Pathogenic.

NM_003060.4(SLC22A5):c.1267+1G>T

Gene: SLC22A5 (solute carrier family 22 member 5; plus strand). Cytogenetic location: 5q31.1.
Variant type: single nucleotide variant.
Coding change: c.1267+1G>T on transcript NM_003060.4 (MANE Select); the canonical splice donor site of the intron after coding-DNA position 1267, G replaced by T.
Molecular consequence: splice donor variant.
Genome position (GRCh38, 1-based): chr5:132,390,905, G>T. VCF-style: chr5-132390905-G-T. GRCh37 (hg19) VCF-style: chr5-131726597-G-T.
Other names: c.1339+1G>T (NM_001308122.2).
Identifiers: ClinVar variation 4815086 (VCV004815086.1).